The following is an entry in ClinVar:

NM_005751.5(AKAP9):c.2759A>G (p.Asp920Gly)

Gene: AKAP9 (A-kinase anchoring protein 9; plus strand). Cytogenetic location: 7q21.2.
Variant type: single nucleotide variant.
Coding change: c.2759A>G on transcript NM_005751.5 (MANE Select); coding-DNA position 2759, A replaced by G.
Protein change: p.Asp920Gly; replaces aspartic acid 920 with glycine.
Molecular consequence: missense variant.
Genome position (GRCh38, 1-based): chr7:92,002,676, A>G. VCF-style: chr7-92002676-A-G. GRCh37 (hg19) VCF-style: chr7-91631990-A-G.
Other names: c.2759A>G, p.Asp920Gly (NM_147185.3); short protein forms D920G.
Identifiers: ClinVar variation 1795639 (VCV001795639.5), dbSNP rs748461520, ClinGen allele CA4336190.

ClinVar aggregate classification (germline): Uncertain significance. Review status: criteria provided, multiple submitters, no conflicts (2 of 4 stars). 2 submissions from 2 submitters: Uncertain significance (2). Last evaluated 2023-11-17.

Conditions:
Cardiovascular phenotype. Identifiers: MedGen CN230736.
Long QT syndrome (LQTS). Identifiers: MedGen C0023976, MeSH D008133, MONDO:0002442. Disease mechanism: loss of function. Inheritance: Various modes of inheritance.

Allele frequency attached by ClinVar (database versions not stated): gnomAD exomes below 0.00001; ExAC 0.00001; gnomAD 0.00001; TOPMed 0.00001.
gnomAD v4.1: 3 of 1,613,414 alleles (0.00019%); highest among the groups gnomAD compares: East Asian, 0.0045%; no homozygotes.

Submissions (2):

Ambry Genetics
Classification: Uncertain significance for Cardiovascular phenotype. Last evaluated: 2023-11-17. Review status: criteria provided, single submitter. Criteria: Ambry Variant Classification Scheme 2023. Collection method: clinical testing. Allele origin: germline.
Comment: The p.D920G variant (also known as c.2759A>G), located in coding exon 8 of the AKAP9 gene, results from an A to G substitution at nucleotide position 2759. The aspartic acid at codon 920 is replaced by glycine, an amino acid with similar properties. This amino acid position is not well conserved in available vertebrate species. In addition, this alteration is predicted to be tolerated by in silico analysis. Since supporting evidence is limited at this time, the clinical significance of this alteration remains unclear.

Labcorp Genetics (formerly Invitae), Labcorp
Classification: Uncertain significance for Long QT syndrome. Last evaluated: 2023-01-07. Review status: criteria provided, single submitter. Criteria: Invitae Variant Classification Sherloc (09022015). Collection method: clinical testing. Allele origin: germline.
Comment: In summary, the available evidence is currently insufficient to determine the role of this variant in disease. Therefore, it has been classified as a Variant of Uncertain Significance. Algorithms developed to predict the effect of missense changes on protein structure and function are either unavailable or do not agree on the potential impact of this missense change (SIFT: "Tolerated"; PolyPhen-2: "Possibly Damaging"; Align-GVGD: "Class C0"). ClinVar contains an entry for this variant (Variation ID: 1795639). This variant has not been reported in the literature in individuals affected with AKAP9-related conditions. This variant is present in population databases (rs748461520, gnomAD 0.006%). This sequence change replaces aspartic acid, which is acidic and polar, with glycine, which is neutral and non-polar, at codon 920 of the AKAP9 protein (p.Asp920Gly).